The following is an entry in ClinVar:

NM_000059.4(BRCA2):c.2621_2622insG (p.Val875fs)

Gene: BRCA2 (BRCA2 DNA repair associated; plus strand). Cytogenetic location: 13q13.1.
Variant type: Insertion.
Coding change: c.2621_2622insG on transcript NM_000059.4 (MANE Select); coding-DNA positions 2621 to 2622, G inserted.
Protein change: p.Val875fs; shifts the reading frame from valine 875.
Molecular consequence: frameshift variant.
Genome position: GRCh38 VCF-style: chr13-32336976-C-CG. GRCh37 (hg19) VCF-style: chr13-32911113-C-CG.
Other names: short protein forms V875fs.
Identifiers: ClinVar variation 548363 (VCV000548363.9), dbSNP rs1555282757, ClinGen allele CA658823631.

ClinVar aggregate classification (germline): Pathogenic. Review status: reviewed by expert panel (3 of 4 stars). 3 submissions from 3 submitters: Pathogenic (1). 2 of the submissions do not count toward it. Last evaluated 2017-12-15.

Conditions:
Hereditary breast ovarian cancer syndrome. Also called: Hereditary breast and ovarian cancer; Hereditary breast and/or ovarian cancer syndrome; Hereditary breast and ovarian cancer syndrome (HBOC); Breast and ovarian cancer; BRCA1- and BRCA2-Associated Hereditary Breast and Ovarian Cancer; Hereditary breast and ovarian cancer syndrome. Identifiers: Orphanet 145, MedGen C0677776, MeSH D061325, MONDO:0003582. Disease mechanism: loss of function.
Breast-ovarian cancer, familial, susceptibility to, 2 (BROVCA2). Also called: BRCA2 Hereditary Breast and Ovarian Cancer. Identifiers: Orphanet 145, MedGen C2675520, MONDO:0012933, OMIM 612555. Disease mechanism: loss of function.

Submissions (3):

Evidence-based Network for the Interpretation of Germline Mutant Alleles (ENIGMA)
Classification: Pathogenic for Breast-ovarian cancer, familial, susceptibility to, 2. Last evaluated: 2017-12-15. Review status: reviewed by expert panel. Criteria: ENIGMA BRCA1/2 Classification Criteria (2017-06-29). Collection method: curation. Allele origin: germline. Study: ENIGMA.
Comment: Variant allele predicted to encode a truncated non-functional protein.

Labcorp Genetics (formerly Invitae), Labcorp
Classification: Pathogenic for Hereditary breast ovarian cancer syndrome. Last evaluated: 2022-01-22. Review status: criteria provided, single submitter. Criteria: Invitae Variant Classification Sherloc (09022015). Collection method: clinical testing. Allele origin: germline. Not counted in ClinVar's aggregate classification.
Comment: For these reasons, this variant has been classified as Pathogenic. ClinVar contains an entry for this variant (Variation ID: 548363). This variant has not been reported in the literature in individuals affected with BRCA2-related conditions. This variant is not present in population databases (gnomAD no frequency). This sequence change creates a premature translational stop signal (p.Val875Cysfs*6) in the BRCA2 gene. It is expected to result in an absent or disrupted protein product. Loss-of-function variants in BRCA2 are known to be pathogenic (PMID: 20104584).

Mendelics
Classification: Pathogenic for Breast-ovarian cancer, familial, susceptibility to, 2. Last evaluated: 2019-05-28. Review status: criteria provided, single submitter. Criteria: Mendelics Assertion Criteria 2017. Collection method: clinical testing. Allele origin: unknown. Not counted in ClinVar's aggregate classification.

Literature cited by the submitters: PubMed 20104584 (cited by Labcorp Genetics (formerly Invitae), Labcorp).